The following is an entry in ClinVar:

NM_002691.4(POLD1):c.1419G>T (p.Thr473=)

Gene: POLD1 (DNA polymerase delta 1, catalytic subunit; plus strand). Cytogenetic location: 19q13.33.
Variant type: single nucleotide variant.
Coding change: c.1419G>T on transcript NM_002691.4 (MANE Select); coding-DNA position 1419, G replaced by T.
Protein change: p.Thr473=; no amino-acid change (threonine 473 retained).
Molecular consequence: synonymous variant. On other transcripts: non-coding transcript variant (1).
Genome position (GRCh38, 1-based): chr19:50,406,442, G>T. VCF-style: chr19-50406442-G-T. GRCh37 (hg19) VCF-style: chr19-50909699-G-T.
Other names: c.1419G>T, p.Thr473= (NM_001256849.1, NM_001308632.1).
Identifiers: ClinVar variation 1080117 (VCV001080117.12), dbSNP rs763643495, ClinGen allele CA508304868.

ClinVar aggregate classification (germline): Benign/Likely benign. Review status: criteria provided, multiple submitters, no conflicts (2 of 4 stars). 3 submissions from 3 submitters: Benign (1); Likely benign (2). Last evaluated 2025-02-06.

Conditions:
Hereditary cancer-predisposing syndrome. Also called: Hereditary neoplastic syndrome; Neoplastic Syndromes, Hereditary; Tumor predisposition; Hereditary Cancer Syndrome. Identifiers: Orphanet 140162, MedGen C0027672, MeSH D009386, MONDO:0015356.
POLD1-related polyposis and colorectal cancer syndrome (CRCS10). Also called: Colorectal cancer, susceptibility to, 10; Colorectal cancer 10; COLORECTAL CANCER, SUSCEPTIBILITY TO, ON CHROMOSOME 19q. Identifiers: Orphanet 220460, MedGen C2675481, MONDO:0012953, OMIM 612591.

gnomAD v4.1: 1 of 1,599,258 alleles (0.000063%); highest among the groups gnomAD compares: Non-Finnish European, 0.000085%; no homozygotes.

Submissions (3):

Myriad Genetics, Inc.
Classification: Benign for POLD1-related polyposis and colorectal cancer syndrome. Last evaluated: 2025-02-06. Review status: criteria provided, single submitter. Criteria: Myriad Autosomal Dominant, Autosomal Recessive and X-Linked Classification Criteria (2023). Collection method: clinical testing. Allele origin: unknown.
Comment: This variant is considered benign. This variant is a silent/synonymous amino acid change and it is not expected to impact splicing.

Labcorp Genetics (formerly Invitae), Labcorp
Classification: Likely benign for POLD1-related polyposis and colorectal cancer syndrome. Last evaluated: 2023-06-05. Review status: criteria provided, single submitter. Criteria: Invitae Variant Classification Sherloc (09022015). Collection method: clinical testing. Allele origin: germline.

Ambry Genetics
Classification: Likely benign for Hereditary cancer-predisposing syndrome. Last evaluated: 2020-02-21. Review status: criteria provided, single submitter. Criteria: Ambry Variant Classification Scheme 2023. Collection method: clinical testing. Allele origin: germline.